The following is an entry in ClinVar:

NM_001277115.2(DNAH11):c.5586C>G (p.Asn1862Lys)

Gene: DNAH11 (dynein axonemal heavy chain 11; plus strand). Cytogenetic location: 7p15.3.
Variant type: single nucleotide variant.
Coding change: c.5586C>G on transcript NM_001277115.2 (MANE Select); coding-DNA position 5586, C replaced by G.
Protein change: p.Asn1862Lys; replaces asparagine 1862 with lysine.
Molecular consequence: missense variant.
Genome position (GRCh38, 1-based): chr7:21,683,909, C>G. VCF-style: chr7-21683909-C-G. GRCh37 (hg19) VCF-style: chr7-21723527-C-G.
Other names: short protein forms N1862K.
Identifiers: ClinVar variation 1500612 (VCV001500612.5), dbSNP rs1783251924, ClinGen allele CA366947739.
Genomic context (GRCh38, chr7:21,683,909, plus strand): 5'-ACACTGCTTTGTTAATATTTGTGATGCCCAGTTCCAGTACTTCTATGAATACTTAGGAAA[C>G]AGCCCTCGACTAGTGATCACTCCTCTAACTGACAGGTAACAATTCAAAGTTTCCGTCCAG-3'
Protein context (NP_001264044.1, residues 1852-1872): QFQYFYEYLG[Asn1862Lys]SPRLVITPLT

ClinVar aggregate classification (germline): Uncertain significance (1 of 4 stars; one submission).

Conditions:
Primary ciliary dyskinesia. Also called: Ciliary dyskinesia. Identifiers: Orphanet 244, MedGen C0008780, MONDO:0016575, HP:0012265.

Submission:

Labcorp Genetics (formerly Invitae), Labcorp
Classification: Uncertain significance for Primary ciliary dyskinesia. Last evaluated: 2021-09-24. Review status: criteria provided, single submitter. Criteria: Invitae Variant Classification Sherloc (09022015). Collection method: clinical testing. Allele origin: germline.
Comment: This sequence change replaces asparagine with lysine at codon 1862 of the DNAH11 protein (p.Asn1862Lys). The asparagine residue is highly conserved and there is a moderate physicochemical difference between asparagine and lysine. This variant is not present in population databases (ExAC no frequency). This variant has not been reported in the literature in individuals with DNAH11-related conditions. Advanced modeling of protein sequence and biophysical properties (such as structural, functional, and spatial information, amino acid conservation, physicochemical variation, residue mobility, and thermodynamic stability) performed at Invitae indicates that this missense variant is not expected to disrupt DNAH11 protein function. In summary, the available evidence is currently insufficient to determine the role of this variant in disease. Therefore, it has been classified as a Variant of Uncertain Significance.